The following is an entry in ClinVar:

ClinVar aggregate classification (germline): Uncertain significance (1 of 4 stars; one submission).

Conditions:
Beck-Fahrner syndrome (BEFAHRS). Identifiers: Orphanet 684216, MedGen C5394097, MONDO:0032922, OMIM 618798.

gnomAD v4.1: 1 of 1,610,274 alleles (0.000062%); highest among the groups gnomAD compares: South Asian, 0.0011%; no homozygotes.

Submission:

Neuberg Centre For Genomic Medicine, NCGM
Classification: Uncertain significance for Beck-Fahrner syndrome. Review status: criteria provided, single submitter. Criteria: ACMG Guidelines, 2015. Collection method: clinical testing. Allele origin: germline. Inheritance: Autosomal dominant inheritance. Affected: yes.
Comment: The missense variant c.3301G>C p.Val1101Leu in the TET3 gene has not been reported previously as a pathogenic variant nor as a benign variant, to our knowledge. This variant is novel not in any individuals in gnomAD Exomes and 1000 Genomes. The amino acid Valine at position 1101 is changed to a Leucine changing protein sequence and it might alter its composition and physico-chemical properties. The variant is predicted as damaging by SIFT. The amino acid change p.Val1101Leu in TET3 is predicted as conserved by GERP++ and PhyloP across 100 vertebrates. For these reasons, this variant has been classified as Uncertain Significance.

NM_001287491.2(TET3):c.3301G>C (p.Val1101Leu)

Gene: TET3 (tet methylcytosine dioxygenase 3; plus strand). Cytogenetic location: 2p13.1.
Variant type: single nucleotide variant.
Coding change: c.3301G>C on transcript NM_001287491.2 (MANE Select); coding-DNA position 3301, G replaced by C.
Protein change: p.Val1101Leu; replaces valine 1101 with leucine.
Molecular consequence: missense variant.
Genome position (GRCh38, 1-based): chr2:74,099,309, G>C. VCF-style: chr2-74099309-G-C. GRCh37 (hg19) VCF-style: chr2-74326436-G-C.
Other names: c.3022G>C, p.Val1008Leu (NM_001366022.1); c.2896G>C, p.Val966Leu (NM_144993.1); short protein forms V1008L, V1101L, V966L.
Identifiers: ClinVar variation 3234983 (VCV003234983.1), dbSNP rs748561400, ClinGen allele CA347314175.